The following is an entry in ClinVar:

NM_001097577.3(ANG):c.250A>G (p.Lys84Glu)

Genes: ANG (angiogenin; plus strand), EGILA (EGFR interacting lncRNA; minus strand), RNASE4 (ribonuclease A family member 4; plus strand). Cytogenetic location: 14q11.2.
Variant type: single nucleotide variant.
Coding change: c.250A>G on transcript NM_001097577.3 (MANE Select); coding-DNA position 250, A replaced by G.
Protein change: p.Lys84Glu; replaces lysine 84 with glutamic acid.
Molecular consequence: missense variant. On other transcripts: intron variant (4).
Genome position (GRCh38, 1-based): chr14:20,693,814, A>G. VCF-style: chr14-20693814-A-G. GRCh37 (hg19) VCF-style: chr14-21161973-A-G.
Other names: c.250A>G, p.Lys84Glu (NM_001145.4, NM_001385271.1, NM_001385272.1 and 2 more transcripts); c.-18+164A>G (NM_001282192.2); c.-17-5541A>G (NM_002937.5, NM_001282193.2); c.-18+4940A>G (NM_194431.3); short protein forms K84E.
Identifiers: ClinVar variation 312774 (VCV000312774.21), dbSNP rs17560, ClinGen allele CA7083167.

ClinVar aggregate classification (germline): Benign. Review status: criteria provided, multiple submitters, no conflicts (2 of 4 stars). 7 submissions from 7 submitters: Benign (6). 1 of the submissions does not count toward it. Last evaluated 2025-12-24.

Conditions:
ANG-related disorder. Also called: ANG-related condition.
Amyotrophic lateral sclerosis type 9 (ALS9). Identifiers: Orphanet 803, MedGen C2678468, MONDO:0012753, OMIM 611895.

Allele frequency attached by ClinVar (database versions not stated): gnomAD exomes 0.00050 and 0.00136; ExAC 0.00156; ESP Exome Variant Server 0.00392; gnomAD 0.00401 and 0.00410; TOPMed 0.00469; 1000 Genomes Project 30x 0.00531; 1000 Genomes Project 0.00659.
gnomAD v4.1: 1,393 of 1,614,208 alleles (0.086%); highest among the groups gnomAD compares: African/African-American, 1.4%; 7 homozygotes.

Submissions (7):

Labcorp Genetics (formerly Invitae), Labcorp
Classification: Benign. Last evaluated: 2025-12-24. Review status: criteria provided, single submitter. Criteria: Invitae Variant Classification Sherloc (09022015). Collection method: clinical testing. Allele origin: germline.

Athena Diagnostics
Classification: Benign. Last evaluated: 2024-09-17. Review status: criteria provided, single submitter. Criteria: Athena Diagnostics Criteria. Collection method: clinical testing. Allele origin: unknown.

GeneDx
Classification: Benign. Last evaluated: 2020-04-03. Review status: criteria provided, single submitter. Criteria: GeneDx Variant Classification Process June 2021. Collection method: clinical testing. Allele origin: germline. Affected: yes.
Comment: This variant is associated with the following publications: (PMID: 22292843, 28430856, 25382069, 22384259)

Mendelics
Classification: Benign for Amyotrophic lateral sclerosis type 9. Last evaluated: 2019-05-28. Review status: criteria provided, single submitter. Criteria: Mendelics Assertion Criteria 2017. Collection method: clinical testing. Allele origin: unknown.

Illumina Laboratory Services, Illumina
Classification: Benign for Amyotrophic lateral sclerosis type 9. Last evaluated: 2018-01-13. Review status: criteria provided, single submitter. Criteria: ICSL Variant Classification Criteria 13 December 2019. Collection method: clinical testing. Allele origin: germline.
Comment: This variant was observed in the ICSL laboratory as part of a predisposition screen in an ostensibly healthy population. It had not been previously curated by ICSL or reported in the Human Gene Mutation Database (HGMD: prior to June 1st, 2018), and was therefore a candidate for classification through an automated scoring system. Utilizing variant allele frequency, disease prevalence and penetrance estimates, and inheritance mode, an automated score was calculated to assess if this variant is too frequent to cause the disease. Based on the score and internal cut-off values, a variant classified as benign is not then subjected to further curation. The score for this variant resulted in a classification of benign for this disease.

Breakthrough Genomics
Classification: Benign. Review status: criteria provided, single submitter. Criteria: ACMG Guidelines, 2015. Collection method: not provided. Allele origin: germline. Inheritance: Unknown mechanism. Affected: yes.

PreventionGenetics, part of Exact Sciences
Classification: Benign for ANG-related condition. Last evaluated: 2022-05-02. Review status: no assertion criteria provided. Collection method: clinical testing. Allele origin: germline. Not counted in ClinVar's aggregate classification.
Comment: This variant is classified as benign based on ACMG/AMP sequence variant interpretation guidelines (Richards et al. 2015 PMID: 25741868, with internal and published modifications).

Literature cited by the submitters: PubMed 22384259 (cited by Athena Diagnostics); PubMed 22522484 (cited by Athena Diagnostics); PubMed 30846540 (cited by Athena Diagnostics); PubMed 28430856 (cited by Athena Diagnostics); PubMed 28176817 (cited by Athena Diagnostics); PubMed 23665167 (cited by Athena Diagnostics); PubMed 25382069 (cited by Athena Diagnostics).